The following is an entry in ClinVar:

ClinVar aggregate classification (germline): Uncertain significance (1 of 4 stars; one submission).

Submission:

Labcorp Genetics (formerly Invitae), Labcorp
Classification: Uncertain significance. Last evaluated: 2022-04-17. Review status: criteria provided, single submitter. Criteria: Invitae Variant Classification Sherloc (09022015). Collection method: clinical testing. Allele origin: germline.
Comment: In summary, the available evidence is currently insufficient to determine the role of this variant in disease. Therefore, it has been classified as a Variant of Uncertain Significance. Algorithms developed to predict the effect of missense changes on protein structure and function are either unavailable or do not agree on the potential impact of this missense change (SIFT: "Deleterious"; PolyPhen-2: "Possibly Damaging"; Align-GVGD: "Class C0"). This variant has not been reported in the literature in individuals affected with AHDC1-related conditions. This variant is not present in population databases (gnomAD no frequency). This sequence change replaces aspartic acid, which is acidic and polar, with valine, which is neutral and non-polar, at codon 137 of the AHDC1 protein (p.Asp137Val).

NM_001371928.1(AHDC1):c.410A>T (p.Asp137Val)

Gene: AHDC1 (AT-hook DNA binding motif containing 1; minus strand). Cytogenetic location: 1p36.11.
Variant type: single nucleotide variant.
Coding change: c.410A>T on transcript NM_001371928.1 (MANE Select); coding-DNA position 410, A replaced by T.
Protein change: p.Asp137Val; replaces aspartic acid 137 with valine.
Molecular consequence: missense variant.
Genome position (GRCh38, 1-based): chr1:27,551,706, T>A on the plus strand (A>T on the coding strand, the complement: AHDC1 is on the minus strand). VCF-style: chr1-27551706-T-A. GRCh37 (hg19) VCF-style: chr1-27878217-T-A.
Other names: c.410A>T, p.Asp137Val (NM_001029882.3); short protein forms D137V.
Identifiers: ClinVar variation 2127403 (VCV002127403.4), dbSNP rs2522092761, ClinGen allele CA339237353.
Genomic context (GRCh38, chr1:27,551,706, plus strand): 5'-GCAGGCGGGCGGCTCAGTCGGAGCCCACCACAGTCCAGGTGTACACCACTGTGCTGCAGG[T>A]CCTGGGAGAGGCGTGTCAGGTCCTTCATGATGTCAATCAGCTGCACCACTGGTCGCAGGT-3'
Protein context (NP_001358857.1, residues 127-147): IMKDLTRLSQ[Asp137Val]LQHSGVHLDC